The following is an entry in ClinVar:

NM_004329.3(BMPR1A):c.654T>C (p.Ser218=)

Gene: BMPR1A (bone morphogenetic protein receptor type 1A; plus strand). Cytogenetic location: 10q23.2.
Variant type: single nucleotide variant.
Coding change: c.654T>C on transcript NM_004329.3 (MANE Select); coding-DNA position 654, T replaced by C.
Protein change: p.Ser218=; no amino-acid change (serine 218 retained).
Molecular consequence: synonymous variant. On other transcripts: non-coding transcript variant (3), intron variant (1).
Genome position (GRCh38, 1-based): chr10:86,912,363, T>C. VCF-style: chr10-86912363-T-C. GRCh37 (hg19) VCF-style: chr10-88672120-T-C.
Other names: c.729T>C, p.Ser243= (NM_001406559.1); c.702T>C, p.Ser234= (NM_001406560.1); c.654T>C, p.Ser218= (NM_001406561.1, NM_001406562.1, NM_001406563.1 and 20 more transcripts); c.570T>C, p.Ser190= (NM_001406584.1, NM_001406585.1, NM_001406586.1 and 2 more transcripts); c.334-4771T>C (NM_001406589.1).
Identifiers: ClinVar variation 2163671 (VCV002163671.6), dbSNP rs1843504209, ClinGen allele CA470307731.

ClinVar aggregate classification (germline): Benign/Likely benign. Review status: criteria provided, multiple submitters, no conflicts (2 of 4 stars). 3 submissions from 3 submitters: Benign (1); Likely benign (2). Last evaluated 2025-08-11.

Conditions:
Juvenile polyposis syndrome (JPS). Identifiers: Orphanet 2929, MedGen C0345893, MONDO:0017380, OMIM 174900.
Hereditary cancer-predisposing syndrome. Also called: Neoplastic Syndromes, Hereditary; Hereditary neoplastic syndrome; Hereditary Cancer Syndrome; Tumor predisposition. Identifiers: Orphanet 140162, MedGen C0027672, MeSH D009386, MONDO:0015356.

Submissions (3):

Labcorp Genetics (formerly Invitae), Labcorp
Classification: Likely benign for Juvenile polyposis syndrome. Last evaluated: 2025-08-11. Review status: criteria provided, single submitter. Criteria: Invitae Variant Classification Sherloc (09022015). Collection method: clinical testing. Allele origin: germline.

Ambry Genetics
Classification: Likely benign for Hereditary cancer-predisposing syndrome. Last evaluated: 2024-08-20. Review status: criteria provided, single submitter. Criteria: Ambry Variant Classification Scheme 2023. Collection method: clinical testing. Allele origin: germline.

Myriad Genetics, Inc.
Classification: Benign for Juvenile polyposis syndrome. Last evaluated: 2024-08-01. Review status: criteria provided, single submitter. Criteria: Myriad Autosomal Dominant, Autosomal Recessive and X-Linked Classification Criteria (2023). Collection method: clinical testing. Allele origin: unknown.
Comment: This variant is considered benign. This variant is a silent/synonymous amino acid change and it is not expected to impact splicing.